The following is an entry in ClinVar:

ClinVar aggregate classification (germline): Uncertain significance (1 of 4 stars; one submission).

Submission:

Ambry Genetics
Classification: Uncertain significance. Last evaluated: 2023-09-29. Review status: criteria provided, single submitter. Criteria: Ambry Variant Classification Scheme 2023. Collection method: clinical testing. Allele origin: germline.
Comment: The p.K257Q variant (also known as c.769A>C), located in coding exon 4 of the MNDA gene, results from an A to C substitution at nucleotide position 769. The lysine at codon 257 is replaced by glutamine, an amino acid with similar properties. This amino acid position is conserved. In addition, this alteration is predicted to be tolerated by in silico analysis. Since supporting evidence is limited at this time, the clinical significance of this alteration remains unclear.

NM_002432.3(MNDA):c.769A>C (p.Lys257Gln)

Gene: MNDA (myeloid cell nuclear differentiation antigen; plus strand). Cytogenetic location: 1q23.1.
Variant type: single nucleotide variant.
Coding change: c.769A>C on transcript NM_002432.3 (MANE Select); coding-DNA position 769, A replaced by C.
Protein change: p.Lys257Gln; replaces lysine 257 with glutamine.
Molecular consequence: missense variant.
Genome position (GRCh38, 1-based): chr1:158,845,785, A>C. VCF-style: chr1-158845785-A-C. GRCh37 (hg19) VCF-style: chr1-158815575-A-C.
Other names: short protein forms K257Q.
Identifiers: ClinVar variation 1760171 (VCV001760171.2), dbSNP rs2526087774, ClinGen allele CA343041590.
Genomic context (GRCh38, chr1:158,845,785, plus strand): 5'-CATGCTACAGTGGCCAGTAAGACTCAATATTTCCATGTGAAAGTCTTCGACATCAACTTG[A>C]AAGAGAAATTTGTAAGGAAGAAGGTCATTACCATATCTGATTACTCTGAATGTAAAGGAG-3'
Protein context (NP_002423.1, residues 247-267): FHVKVFDINL[Lys257Gln]EKFVRKKVIT